The following is an entry in ClinVar:

NM_005022.4(PFN1):c.73_74delinsCT (p.Tyr25Leu)

Gene: PFN1 (profilin 1; minus strand). Cytogenetic location: 17p13.2.
Variant type: Indel.
Coding change: c.73_74delinsCT on transcript NM_005022.4 (MANE Select); coding-DNA positions 73 to 74, TA replaced by CT.
Protein change: p.Tyr25Leu; replaces tyrosine 25 with leucine.
Molecular consequence: missense variant.
Genome position (GRCh38, 1-based): chr17:4,948,321-4,948,322, TA replaced by AG on the plus strand (TA replaced by CT on the coding strand, the reverse complement: PFN1 is on the minus strand). VCF-style: chr17-4948321-TA-AG. GRCh37 (hg19) VCF-style: chr17-4851616-TA-AG.
Other names: c.73_74delinsCT, p.Tyr25Leu (NM_001375991.1); short protein forms Y25L.
Identifiers: ClinVar variation 1423188 (VCV001423188.6), dbSNP rs2151136128, ClinGen allele CA2573152982.

ClinVar aggregate classification (germline): Uncertain significance (1 of 4 stars; one submission).

Submission:

Labcorp Genetics (formerly Invitae), Labcorp
Classification: Uncertain significance. Last evaluated: 2021-05-10. Review status: criteria provided, single submitter. Criteria: Invitae Variant Classification Sherloc (09022015). Collection method: clinical testing. Allele origin: germline.
Comment: In summary, the available evidence is currently insufficient to determine the role of this variant in disease. Therefore, it has been classified as a Variant of Uncertain Significance. Algorithms developed to predict the effect of missense changes on protein structure and function are either unavailable or do not agree on the potential impact of this missense change (SIFT: "Not Available"; PolyPhen-2: "Benign"; Align-GVGD: "Not Available"). This variant has not been reported in the literature in individuals with PFN1-related conditions. The frequency data for this variant in the population databases is not available, as this variant may be reported as separate entries in the ExAC database. This sequence change replaces tyrosine with leucine at codon 25 of the PFN1 protein (p.Tyr25Leu). The tyrosine residue is highly conserved and there is a small physicochemical difference between tyrosine and leucine.